The following is an entry in ClinVar:

ClinVar aggregate classification (germline): Uncertain significance (1 of 4 stars; one submission).

Conditions:
Hereditary spastic paraplegia 39 (SPG39). Also called: Spastic Paraplegia Type 39 (SPG39); SPASTIC PARAPLEGIA 39, AUTOSOMAL RECESSIVE. Identifiers: Orphanet 139480, MedGen C2677586, MONDO:0012787, OMIM 612020.

gnomAD v4.1: 16 of 1,611,756 alleles (0.00099%); highest among the groups gnomAD compares: South Asian, 0.0077%; no homozygotes.

Submission:

Labcorp Genetics (formerly Invitae), Labcorp
Classification: Uncertain significance for Hereditary spastic paraplegia 39. Last evaluated: 2025-05-09. Review status: criteria provided, single submitter. Criteria: Invitae Variant Classification Sherloc (09022015). Collection method: clinical testing. Allele origin: germline.
Comment: This sequence change affects codon 226 of the PNPLA6 mRNA. It is a 'silent' change, meaning that it does not change the encoded amino acid sequence of the PNPLA6 protein. It affects a nucleotide within the consensus splice site. This variant is present in population databases (no rsID available, gnomAD 0.0009%). This variant has not been reported in the literature in individuals affected with PNPLA6-related conditions. Algorithms developed to predict the effect of sequence changes on RNA splicing suggest that this variant is not likely to affect RNA splicing. In summary, the available evidence is currently insufficient to determine the role of this variant in disease. Therefore, it has been classified as a Variant of Uncertain Significance.

NM_001166114.2(PNPLA6):c.795C>T (p.Thr265=)

Gene: PNPLA6 (patatin like domain 6, lysophospholipase; plus strand). Cytogenetic location: 19p13.2.
Variant type: single nucleotide variant.
Coding change: c.795C>T on transcript NM_001166114.2 (MANE Select); coding-DNA position 795, C replaced by T.
Protein change: p.Thr265=; no amino-acid change (threonine 265 retained).
Molecular consequence: synonymous variant.
Genome position (GRCh38, 1-based): chr19:7,540,710, C>T. VCF-style: chr19-7540710-C-T. GRCh37 (hg19) VCF-style: chr19-7605596-C-T.
Other names: c.822C>T, p.Thr274= (NM_001166111.2); c.678C>T, p.Thr226= (NM_001166112.2, NM_001166113.1, NM_006702.5).
Identifiers: ClinVar variation 4754699 (VCV004754699.1).